The following is an entry in ClinVar:

ClinVar aggregate classification (germline): Conflicting classifications of pathogenicity. Review status: criteria provided, conflicting classifications (1 of 4 stars). 4 submissions from 4 submitters: Uncertain significance (3); Likely benign (1). Last evaluated 2026-08-17.

Conditions:
Choanal atresia-athelia-hypothyroidism-delayed puberty-short stature syndrome (BCAHH). Also called: BRANCHIAL ARCH ABNORMALITIES, CHOANAL ATRESIA, ATHELIA, HEARING LOSS, AND HYPOTHYROIDISM SYNDROME. Identifiers: Orphanet 589856, MedGen C5680310, MONDO:0035651, OMIM 620186.
Kabuki syndrome 1 (KABUK1). Also called: KMT2D-Related Kabuki Syndrome. Identifiers: Orphanet 2322, MedGen CN030661, MONDO:0007843, OMIM 147920.
KMT2D-related disorder. Also called: KMT2D-Related Disorders.
Kabuki syndrome. Also called: NIIKAWA-KUROKI SYNDROME; Kabuki make-up syndrome. Identifiers: Orphanet 2322, MedGen C0796004, MONDO:0016512.

Allele frequency attached by ClinVar (database versions not stated): gnomAD exomes below 0.00001; ExAC 0.00001.
gnomAD v4.1: 5 of 1,611,160 alleles (0.00031%); highest among the groups gnomAD compares: Middle Eastern, 0.017%; no homozygotes.

Submissions (4):

PreventionGenetics, part of Exact Sciences
Classification: Uncertain significance for KMT2D-related condition. Last evaluated: 2026-08-17. Review status: criteria provided, single submitter. Criteria: ACMG Guidelines, 2015. Collection method: clinical testing. Allele origin: germline.
Comment: The KMT2D c.13019A>T variant is predicted to result in the amino acid substitution p.His4340Leu. To our knowledge, this variant has not been reported in the literature. This variant is reported in 0.00091% of alleles in individuals of European (Non-Finnish) descent in gnomAD. At this time, the clinical significance of this variant is uncertain due to the absence of conclusive functional and genetic evidence.

Labcorp Genetics (formerly Invitae), Labcorp
Classification: Likely benign for Kabuki syndrome. Last evaluated: 2025-11-22. Review status: criteria provided, single submitter. Criteria: Invitae Variant Classification Sherloc (09022015). Collection method: clinical testing. Allele origin: germline.

Fulgent Genetics
Classification: Uncertain significance for Kabuki syndrome 1; Choanal atresia-athelia-hypothyroidism-delayed puberty-short stature syndrome. Last evaluated: 2024-01-16. Review status: criteria provided, single submitter. Criteria: ACMG Guidelines, 2015. Collection method: clinical testing. Allele origin: germline.

GeneDx
Classification: Uncertain significance. Last evaluated: 2019-12-05. Review status: criteria provided, single submitter. Criteria: GeneDx Variant Classification Process June 2021. Collection method: clinical testing. Allele origin: germline. Affected: yes.
Comment: In silico analysis, which includes protein predictors and evolutionary conservation, supports a deleterious effect; Has not been previously published as pathogenic or benign to our knowledge

NM_003482.4(KMT2D):c.13019A>T (p.His4340Leu)

Gene: KMT2D (lysine methyltransferase 2D; minus strand). Cytogenetic location: 12q13.12.
Variant type: single nucleotide variant.
Coding change: c.13019A>T on transcript NM_003482.4 (MANE Select); coding-DNA position 13019, A replaced by T.
Protein change: p.His4340Leu; replaces histidine 4340 with leucine.
Molecular consequence: missense variant.
Genome position (GRCh38, 1-based): chr12:49,031,686, T>A on the plus strand (A>T on the coding strand, the complement: KMT2D is on the minus strand). VCF-style: chr12-49031686-T-A. GRCh37 (hg19) VCF-style: chr12-49425469-T-A.
Other names: short protein forms H4340L.
Identifiers: ClinVar variation 1310784 (VCV001310784.7), dbSNP rs770911238, ClinGen allele CA6546085.